The following is an entry in ClinVar:

ClinVar aggregate classification (germline): Uncertain significance. Review status: criteria provided, multiple submitters, no conflicts (2 of 4 stars). 2 submissions from 2 submitters: Uncertain significance (2). Last evaluated 2024-09-18.

Conditions:
Hereditary spastic paraplegia 30. Identifiers: Orphanet 101010, MedGen C5235139, MONDO:0012476.
Neuropathy, hereditary sensory, type 2C. Also called: Hereditary sensory and autonomic neuropathy type IIC; KIF1A-Related HSAN2 (HSAN2C). Identifiers: Orphanet 970, MedGen C3280168, MONDO:0013634, OMIM 614213.
Intellectual disability, autosomal dominant 9 (NESCAVS). Also called: KIF1A-Related Neurodevelopmental Disorder; NESCAV SYNDROME. Identifiers: Orphanet 662367, MedGen C5393830, MONDO:0013656, OMIM 614255.

Allele frequency attached by ClinVar (database versions not stated): gnomAD exomes 0.00001.

Submissions (2):

Labcorp Genetics (formerly Invitae), Labcorp
Classification: Uncertain significance for Hereditary spastic paraplegia 30; Neuropathy, hereditary sensory, type 2C; Intellectual disability, autosomal dominant 9. Last evaluated: 2024-09-18. Review status: criteria provided, single submitter. Criteria: Invitae Variant Classification Sherloc (09022015). Collection method: clinical testing. Allele origin: germline.
Comment: This sequence change replaces glycine, which is neutral and non-polar, with cysteine, which is neutral and slightly polar, at codon 836 of the KIF1A protein (p.Gly836Cys). This variant is present in population databases (rs761671317, gnomAD 0.003%). This variant has not been reported in the literature in individuals affected with KIF1A-related conditions. ClinVar contains an entry for this variant (Variation ID: 245693). Invitae Evidence Modeling of protein sequence and biophysical properties (such as structural, functional, and spatial information, amino acid conservation, physicochemical variation, residue mobility, and thermodynamic stability) has been performed for this missense variant. However, the output from this modeling did not meet the statistical confidence thresholds required to predict the impact of this variant on KIF1A protein function. In summary, the available evidence is currently insufficient to determine the role of this variant in disease. Therefore, it has been classified as a Variant of Uncertain Significance.

GeneDx
Classification: Uncertain significance. Last evaluated: 2015-03-13. Review status: criteria provided, single submitter. Criteria: GeneDx Variant Classification (06012015). Collection method: clinical testing. Allele origin: germline. Affected: yes.
Comment: The G836C variant in the KIF1A gene has not been published as a mutation, nor has it been reported as a benign polymorphism to our knowledge. The G836C variant was not observed in approximately 6,400 individuals of European and African American ancestry in the NHLBI Exome Sequencing Project, indicating it is not a common benign variant in these populations. The G836C variant is a non-conservative amino acid substitution, which is likely to impact secondary protein structure as these residues differ in polarity, charge, size and/or other properties. This substitution occurs at a position that is conserved across species. In silico analysis predicts this variant is probably damaging to the protein structure/function. However, this amino acid substitution does not occur within the predicted motor domain of the protein, where all pathogenic missense KIF1A mutations have been identified to-date (Lee et al., 2014). We interpret G836C as a variant of unknown significance.

NM_001244008.2(KIF1A):c.2533G>T (p.Gly845Cys)

Gene: KIF1A (kinesin family member 1A; minus strand). Cytogenetic location: 2q37.3.
Variant type: single nucleotide variant.
Coding change: c.2533G>T on transcript NM_001244008.2 (MANE Select); coding-DNA position 2533, G replaced by T.
Protein change: p.Gly845Cys; replaces glycine 845 with cysteine.
Molecular consequence: missense variant.
Genome position (GRCh38, 1-based): chr2:240,758,409, C>A on the plus strand (G>T on the coding strand, the complement: KIF1A is on the minus strand). VCF-style: chr2-240758409-C-A. GRCh37 (hg19) VCF-style: chr2-241697826-C-A.
Other names: c.2533G>T, p.Gly845Cys (NM_001320705.2, NM_001330289.2, NM_001379638.1); c.2608G>T, p.Gly870Cys (NM_001330290.2, NM_001379631.1, NM_001379634.1 and 2 more transcripts); c.2506G>T, p.Gly836Cys (NM_001379632.1, NM_001379633.1, NM_001379636.1 and 10 more transcripts); c.2581G>T, p.Gly861Cys (NM_001379637.1, NM_001379648.1); short protein forms G836C, G845C, G870C, G861C.
Identifiers: ClinVar variation 245693 (VCV000245693.8), dbSNP rs761671317, ClinGen allele CA2208074.